The following is an entry in ClinVar:

NM_004656.4(BAP1):c.660-26T>A

Gene: BAP1 (BRCA1 associated deubiquitinase 1; minus strand). Cytogenetic location: 3p21.1.
Variant type: single nucleotide variant.
Coding change: c.660-26T>A on transcript NM_004656.4 (MANE Select); 26 bases into the intron before coding-DNA position 660, T replaced by A.
Molecular consequence: intron variant.
Genome position (GRCh38, 1-based): chr3:52,406,402, A>T on the plus strand (T>A on the coding strand, the complement: BAP1 is on the minus strand). VCF-style: chr3-52406402-A-T. GRCh37 (hg19) VCF-style: chr3-52440418-A-T.
Identifiers: ClinVar variation 223504 (VCV000223504.11), dbSNP rs139414598, ClinGen allele CA277568.

ClinVar aggregate classification (germline): Benign/Likely benign. Review status: criteria provided, multiple submitters, no conflicts (2 of 4 stars). 5 submissions from 4 submitters: Benign (1); Likely benign (3). 1 of the submissions does not count toward it. Last evaluated 2025-03-04.

Conditions:
Melanoma, uveal, susceptibility to, 2 (UVM2). Also called: Melanoma, uveal 2. Identifiers: Orphanet 39044, MedGen C1847723, MONDO:0011696, OMIM 606661.
Hereditary cancer-predisposing syndrome. Also called: Tumor predisposition; Hereditary neoplastic syndrome; Neoplastic Syndromes, Hereditary; Hereditary Cancer Syndrome. Identifiers: Orphanet 140162, MedGen C0027672, MeSH D009386, MONDO:0015356.
BAP1-related tumor predisposition syndrome (TPDS1). Also called: Tumor susceptibility linked to germline BAP1 mutations; BAP1 tumor predisposition syndrome; COMMON Syndrome; TUMOR PREDISPOSITION SYNDROME 1. Identifiers: Orphanet 289539, MedGen C3280492, MONDO:0013692, OMIM 614327.

Allele frequency attached by ClinVar (database versions not stated): ESP Exome Variant Server 0.00292; gnomAD 0.00328; TOPMed 0.00342; ExAC 0.00638; 1000 Genomes Project 30x 0.00781; 1000 Genomes Project 0.00839.
gnomAD v4.1: 9,148 of 1,611,800 alleles (0.57%); highest among the groups gnomAD compares: South Asian, 2.3%; 70 homozygotes.

Submissions (5):

Center for Genomic Medicine, Rigshospitalet, Copenhagen University Hospital
Classification: Likely benign. Last evaluated: 2025-03-04. Review status: criteria provided, single submitter. Criteria: ACMG Guidelines, 2015. Collection method: clinical testing. Allele origin: germline.

KCCC/NGS Laboratory, Kuwait Cancer Control Center
Classification: Benign for BAP1-related tumor predisposition syndrome. Last evaluated: 2025-02-01. Review status: criteria provided, single submitter. Criteria: ACMG Guidelines, 2015. Collection method: clinical testing. Allele origin: germline. Affected: no.

KCCC/NGS Laboratory, Kuwait Cancer Control Center
Classification: Likely benign for Melanoma, uveal, susceptibility to, 2. Last evaluated: 2023-07-07. Review status: criteria provided, single submitter. Criteria: ACMG Guidelines, 2015. Collection method: clinical testing. Allele origin: germline. Affected: yes.

GeneDx
Classification: Likely benign. Last evaluated: 2018-06-15. Review status: criteria provided, single submitter. Criteria: GeneDx Variant Classification (06012015). Collection method: clinical testing. Allele origin: germline. Affected: yes.
Comment: This variant is considered likely benign or benign based on one or more of the following criteria: it is a conservative change, it occurs at a poorly conserved position in the protein, it is predicted to be benign by multiple in silico algorithms, and/or has population frequency not consistent with disease.

University of Washington Department of Laboratory Medicine, University of Washington
Classification: Likely benign for Hereditary cancer-predisposing syndrome. Last evaluated: 2015-12-01. Review status: no assertion criteria provided. Collection method: clinical testing. Allele origin: germline. Affected: yes. Not counted in ClinVar's aggregate classification.